The following is an entry in ClinVar:

NM_032638.5(GATA2):c.722C>T (p.Ala241Val)

Gene: GATA2 (GATA binding protein 2; minus strand). Cytogenetic location: 3q21.3.
Variant type: single nucleotide variant.
Coding change: c.722C>T on transcript NM_032638.5 (MANE Select); coding-DNA position 722, C replaced by T.
Protein change: p.Ala241Val; replaces alanine 241 with valine.
Molecular consequence: missense variant.
Genome position (GRCh38, 1-based): chr3:128,485,876, G>A on the plus strand (C>T on the coding strand, the complement: GATA2 is on the minus strand). VCF-style: chr3-128485876-G-A. GRCh37 (hg19) VCF-style: chr3-128204719-G-A.
Other names: c.722C>T, p.Ala241Val (NM_001145661.2, NM_001145662.1); short protein forms A241V.
Identifiers: ClinVar variation 847857 (VCV000847857.8), dbSNP rs2068688771, ClinGen allele CA354406146.
Genomic context (GRCh38, chr3:128,485,876, plus strand): 5'-CTGTAGTCGTGGGCAGCCGCCGGCACATAGGAGGGGTAGGTGGGGATGGGGTGGTGTGTA[G>A]CAGGCTGGGTGCCCATAGTAGCTAGGCCTGGGCGCAGGGGACTGCCACTTTCCATCTTCA-3'
Protein context (NP_116027.2, residues 231-251): PGLATMGTQP[Ala241Val]THHPIPTYPS

ClinVar aggregate classification (germline): Uncertain significance. Review status: criteria provided, multiple submitters, no conflicts (2 of 4 stars). 2 submissions from 2 submitters: Uncertain significance (2). Last evaluated 2025-04-16.

Conditions:
Deafness-lymphedema-leukemia syndrome. Also called: Lymphedema, primary, with myelodysplasia; Emberger syndrome. Identifiers: Orphanet 3226, MedGen C3279664, MONDO:0013540, OMIM 614038.
Monocytopenia with susceptibility to infections. Also called: Dendritic cell, monocyte, B lymphocyte, and natural killer lymphocyte deficiency; MONOCYTOPENIA AND MYCOBACTERIAL INFECTION SYNDROME; MONOCYTOPENIA WITH SUSCEPTIBILITY TO MYCOBACTERIAL, FUNGAL, AND PAPILLOMAVIRUS INFECTIONS AND MYELODYSPLASIA; COMBINED IMMUNODEFICIENCY WITH SUSCEPTIBILITY TO MYCOBACTERIAL, VIRAL, AND FUNGAL INFECTIONS; IMMUNODEFICIENCY 21; GATA2 DEFICIENCY. Identifiers: Orphanet 228423, MedGen C3280030, MONDO:0013607, OMIM 614172.
Inborn genetic diseases. Identifiers: MedGen C0950123, MeSH D030342.

Allele frequency attached by ClinVar (database versions not stated): gnomAD exomes below 0.00001.
gnomAD v4.1: 4 of 1,614,106 alleles (0.00025%); highest among the groups gnomAD compares: Non-Finnish European, 0.00034%; no homozygotes.

Submissions (2):

Ambry Genetics
Classification: Uncertain significance for Inborn genetic diseases. Last evaluated: 2025-04-16. Review status: criteria provided, single submitter. Criteria: Ambry Variant Classification Scheme 2023. Collection method: clinical testing. Allele origin: germline.
Comment: The p.A241V variant (also known as c.722C>T), located in coding exon 2 of the GATA2 gene, results from a C to T substitution at nucleotide position 722. The alanine at codon 241 is replaced by valine, an amino acid with similar properties. This amino acid position is not well conserved in available vertebrate species. In addition, the in silico prediction for this alteration is inconclusive. Based on the available evidence, the clinical significance of this variant remains unclear.

Labcorp Genetics (formerly Invitae), Labcorp
Classification: Uncertain significance for Monocytopenia with susceptibility to infections; Deafness-lymphedema-leukemia syndrome. Last evaluated: 2021-09-21. Review status: criteria provided, single submitter. Criteria: Invitae Variant Classification Sherloc (09022015). Collection method: clinical testing. Allele origin: germline.
Comment: In summary, the available evidence is currently insufficient to determine the role of this variant in disease. Therefore, it has been classified as a Variant of Uncertain Significance. Algorithms developed to predict the effect of missense changes on protein structure and function (SIFT, PolyPhen-2, Align-GVGD) all suggest that this variant is likely to be tolerated. This variant has not been reported in the literature in individuals affected with GATA2-related conditions. This variant is not present in population databases (ExAC no frequency). This sequence change replaces alanine with valine at codon 241 of the GATA2 protein (p.Ala241Val). The alanine residue is moderately conserved and there is a small physicochemical difference between alanine and valine.